The following is an entry in ClinVar:

NM_018975.4(TERF2IP):c.236T>A (p.Ile79Asn)

Gene: TERF2IP (TERF2 interacting protein; plus strand). Cytogenetic location: 16q23.1.
Variant type: single nucleotide variant.
Coding change: c.236T>A on transcript NM_018975.4 (MANE Select); coding-DNA position 236, T replaced by A.
Protein change: p.Ile79Asn; replaces isoleucine 79 with asparagine.
Molecular consequence: missense variant. On other transcripts: non-coding transcript variant (1).
Genome position (GRCh38, 1-based): chr16:75,648,118, T>A. VCF-style: chr16-75648118-T-A. GRCh37 (hg19) VCF-style: chr16-75682016-T-A.
Other names: short protein forms I79N.
Identifiers: ClinVar variation 1790279 (VCV001790279.6), dbSNP rs1034303540, ClinGen allele CA284334279.
Genomic context (GRCh38, chr16:75,648,118, plus strand): 5'-CCGGGGCCGTGCTGCTGGCCCAGCCCGGGGAGGCGCTGGCCGAGGCCTCGGGTGATTTCA[T>A]CTCCACGCAGTACATCCTGGACTGCGTGGAGCGCAACGAGAGGCTGGAGCTGGAGGCCTA-3'
Protein context (NP_061848.2, residues 69-89): EALAEASGDF[Ile79Asn]STQYILDCVE

ClinVar aggregate classification (germline): Uncertain significance. Review status: criteria provided, multiple submitters, no conflicts (2 of 4 stars). 2 submissions from 2 submitters: Uncertain significance (2). Last evaluated 2023-07-12.

Allele frequency attached by ClinVar (database versions not stated): gnomAD 0.00001; gnomAD exomes 0.00001; TOPMed 0.00002.
gnomAD v4.1: 15 of 1,558,082 alleles (0.00096%); highest among the groups gnomAD compares: Non-Finnish European, 0.0013%; no homozygotes.

Submissions (2):

Ambry Genetics
Classification: Uncertain significance. Last evaluated: 2023-07-12. Review status: criteria provided, single submitter. Criteria: Ambry Variant Classification Scheme 2023. Collection method: clinical testing. Allele origin: germline.
Comment: The p.I79N variant (also known as c.236T>A), located in coding exon 1 of the TERF2IP gene, results from a T to A substitution at nucleotide position 236. The isoleucine at codon 79 is replaced by asparagine, an amino acid with dissimilar properties. This amino acid position is conserved. In addition, this alteration is predicted to be tolerated by in silico analysis. Since supporting evidence is limited at this time, the clinical significance of this alteration remains unclear.

Labcorp Genetics (formerly Invitae), Labcorp
Classification: Uncertain significance. Last evaluated: 2023-05-26. Review status: criteria provided, single submitter. Criteria: Invitae Variant Classification Sherloc (09022015). Collection method: clinical testing. Allele origin: germline.
Comment: This sequence change replaces isoleucine, which is neutral and non-polar, with asparagine, which is neutral and polar, at codon 79 of the TERF2IP protein (p.Ile79Asn). The frequency data for this variant in the population databases is considered unreliable, as metrics indicate poor data quality at this position in the gnomAD database. This variant has not been reported in the literature in individuals affected with TERF2IP-related conditions. ClinVar contains an entry for this variant (Variation ID: 1790279). An algorithm developed to predict the effect of missense changes on protein structure and function (PolyPhen-2) suggests that this variant is likely to be disruptive. In summary, the available evidence is currently insufficient to determine the role of this variant in disease. Therefore, it has been classified as a Variant of Uncertain Significance.